The following is an entry in ClinVar:

NM_012463.4(ATP6V0A2):c.2469A>G (p.Val823=)

Gene: ATP6V0A2 (ATPase H+ transporting V0 subunit a2; plus strand). Cytogenetic location: 12q24.31.
Variant type: single nucleotide variant.
Coding change: c.2469A>G on transcript NM_012463.4 (MANE Select); coding-DNA position 2469, A replaced by G.
Protein change: p.Val823=; no amino-acid change (valine 823 retained).
Molecular consequence: synonymous variant.
Genome position (GRCh38, 1-based): chr12:123,757,930, A>G. VCF-style: chr12-123757930-A-G. GRCh37 (hg19) VCF-style: chr12-124242477-A-G.
Identifiers: ClinVar variation 508863 (VCV000508863.5), dbSNP rs775830030, ClinGen allele CA6862272.

ClinVar aggregate classification (germline): Likely benign. Review status: criteria provided, multiple submitters, no conflicts (2 of 4 stars). 2 submissions from 2 submitters: Likely benign (2). Last evaluated 2024-02-26.

Conditions:
ALG9 congenital disorder of glycosylation (CDG1L). Also called: ALG9-CDG; CONGENITAL DISORDER OF GLYCOSYLATION, TYPE Il; CDG Il. Identifiers: Orphanet 79328, MedGen C2931006, MONDO:0012117, OMIM 608776.

Allele frequency attached by ClinVar (database versions not stated): TOPMed below 0.00001; ExAC 0.00001; gnomAD 0.00001; gnomAD exomes 0.00001.
gnomAD v4.1: 9 of 1,567,730 alleles (0.00057%); highest among the groups gnomAD compares: Admixed American, 0.0018%; no homozygotes.

Submissions (2):

Labcorp Genetics (formerly Invitae), Labcorp
Classification: Likely benign for ALG9 congenital disorder of glycosylation. Last evaluated: 2024-02-26. Review status: criteria provided, single submitter. Criteria: Invitae Variant Classification Sherloc (09022015). Collection method: clinical testing. Allele origin: germline.

GeneDx
Classification: Likely benign. Last evaluated: 2017-04-17. Review status: criteria provided, single submitter. Criteria: GeneDx Variant Classification (06012015). Collection method: clinical testing. Allele origin: germline. Affected: yes.
Comment: This variant is considered likely benign or benign based on one or more of the following criteria: it is a conservative change, it occurs at a poorly conserved position in the protein, it is predicted to be benign by multiple in silico algorithms, and/or has population frequency not consistent with disease.